The following is an entry in ClinVar:

NM_138711.6(PPARG):c.801C>G (p.Pro267=)

Gene: PPARG (peroxisome proliferator activated receptor gamma; plus strand). Cytogenetic location: 3p25.2.
Variant type: single nucleotide variant.
Coding change: c.801C>G on transcript NM_138711.6 (MANE Select); coding-DNA position 801, C replaced by G.
Protein change: p.Pro267=; no amino-acid change (proline 267 retained).
Molecular consequence: synonymous variant. On other transcripts: intron variant (5).
Genome position (GRCh38, 1-based): chr3:12,416,775, C>G. VCF-style: chr3-12416775-C-G. GRCh37 (hg19) VCF-style: chr3-12458274-C-G.
Other names: c.801C>G, p.Pro267= (NM_001354666.3, NM_001354667.3, NM_001374263.2 and 3 more transcripts); c.174C>G, p.Pro58= (NM_001354669.2); c.891C>G, p.Pro297= (NM_015869.5); c.729+10694C>G (NM_001374261.3, NM_001374262.3, NM_001330615.4); c.653+10776C>G (NM_001374266.1); c.819+10694C>G (NM_001374265.1).
Identifiers: ClinVar variation 343047 (VCV000343047.19), dbSNP rs13306747, ClinGen allele CA2258283.
Genomic context (GRCh38, chr3:12,416,775, plus strand): 5'-CTATGACATGAATTCCTTAATGATGGGAGAAGATAAAATCAAGTTCAAACACATCACCCC[C>G]CTGCAGGAGCAGAGCAAAGAGGTGGCCATCCGCATCTTTCAGGGCTGCCAGTTTCGCTCC-3'
Protein context (NP_619725.3, residues 257-277): EDKIKFKHIT[Pro267=]LQEQSKEVAI

ClinVar aggregate classification (germline): Benign. Review status: criteria provided, multiple submitters, no conflicts (2 of 4 stars). 6 submissions from 4 submitters: Benign (6). Last evaluated 2026-02-01.

Conditions:
Obesity. Also called: Obesity disorder. Identifiers: Orphanet 71529, MedGen C0028754, MeSH D009765, MONDO:0011122, HP:0001513.
INSULIN RESISTANCE, DIGENIC. Identifiers: MedGen C4016738.
PPARG-related familial partial lipodystrophy. Also called: LIPODYSTROPHY, FAMILIAL PARTIAL, ASSOCIATED WITH PPARG MUTATIONS. Identifiers: Orphanet 79083, MedGen C1720861, MONDO:0011448, OMIM 604367.

Allele frequency attached by ClinVar (database versions not stated): TOPMed 0.00359; 1000 Genomes Project 30x 0.00718; 1000 Genomes Project 0.00739.
gnomAD v4.1: 2,627 of 1,614,044 alleles (0.16%); highest among the groups gnomAD compares: East Asian, 5.1%; 56 homozygotes.

Submissions (6):

Labcorp Genetics (formerly Invitae), Labcorp
Classification: Benign. Last evaluated: 2026-02-01. Review status: criteria provided, single submitter. Criteria: Invitae Variant Classification Sherloc (09022015). Collection method: clinical testing. Allele origin: germline.

GeneDx
Classification: Benign. Last evaluated: 2021-06-09. Review status: criteria provided, single submitter. Criteria: GeneDx Variant Classification Process June 2021. Collection method: clinical testing. Allele origin: germline. Affected: yes.

Illumina Laboratory Services, Illumina
Classification: Benign for Diabetes Mellitus, Noninsulin-Dependent, with Acanthosis Nigricans and Hypertension. Last evaluated: 2018-01-12. Review status: criteria provided, single submitter. Criteria: ICSL Variant Classification Criteria 13 December 2019. Collection method: clinical testing. Allele origin: germline.
Comment: This variant was observed in the ICSL laboratory as part of a predisposition screen in an ostensibly healthy population. It had not been previously curated by ICSL or reported in the Human Gene Mutation Database (HGMD: prior to June 1st, 2018), and was therefore a candidate for classification through an automated scoring system. Utilizing variant allele frequency, disease prevalence and penetrance estimates, and inheritance mode, an automated score was calculated to assess if this variant is too frequent to cause the disease. Based on the score and internal cut-off values, a variant classified as benign is not then subjected to further curation. The score for this variant resulted in a classification of benign for this disease.

Illumina Laboratory Services, Illumina
Classification: Benign for Inherited obesity. Last evaluated: 2018-01-12. Review status: criteria provided, single submitter. Criteria: ICSL Variant Classification Criteria 13 December 2019. Collection method: clinical testing. Allele origin: germline.
Comment: the same text as in the submission from Illumina Laboratory Services, Illumina above.

Illumina Laboratory Services, Illumina
Classification: Benign for PPARG-related familial partial lipodystrophy. Last evaluated: 2018-01-12. Review status: criteria provided, single submitter. Criteria: ICSL Variant Classification Criteria 13 December 2019. Collection method: clinical testing. Allele origin: germline.
Comment: the same text as in the submission from Illumina Laboratory Services, Illumina above.

Genetic Services Laboratory, University of Chicago
Classification: Benign. Last evaluated: 2017-09-29. Review status: criteria provided, single submitter. Criteria: ACMG Guidelines, 2015. Collection method: clinical testing. Allele origin: germline. Affected: no.